The following is an entry in ClinVar:

ClinVar aggregate classification (germline): Uncertain significance (1 of 4 stars; one submission).

Submission:

Ambry Genetics
Classification: Uncertain significance. Last evaluated: 2025-04-25. Review status: criteria provided, single submitter. Criteria: Ambry Variant Classification Scheme 2023. Collection method: clinical testing. Allele origin: germline.
Comment: The p.L259R variant (also known as c.776T>G), located in coding exon 1 of the MC1R gene, results from a T to G substitution at nucleotide position 776. The leucine at codon 259 is replaced by arginine, an amino acid with dissimilar properties. This amino acid position is conserved. In addition, this alteration is predicted to be deleterious by in silico analysis. Based on the available evidence, the clinical significance of this variant remains unclear.

NM_002386.4(MC1R):c.776T>G (p.Leu259Arg)

Gene: MC1R (melanocortin 1 receptor; plus strand). Cytogenetic location: 16q24.3.
Variant type: single nucleotide variant.
Coding change: c.776T>G on transcript NM_002386.4 (MANE Select); coding-DNA position 776, T replaced by G.
Protein change: p.Leu259Arg; replaces leucine 259 with arginine.
Molecular consequence: missense variant.
Genome position (GRCh38, 1-based): chr16:89,920,034, T>G. VCF-style: chr16-89920034-T-G. GRCh37 (hg19) VCF-style: chr16-89986442-T-G.
Other names: short protein forms L259R.
Identifiers: ClinVar variation 4052424 (VCV004052424.1).
Genomic context (GRCh38, chr16:89,920,034, plus strand): 5'-GCGCTGTCACCCTCACCATCCTGCTGGGCATTTTCTTCCTCTGCTGGGGCCCCTTCTTCC[T>G]GCATCTCACACTCATCGTCCTCTGCCCCGAGCACCCCACGTGCGGCTGCATCTTCAAGAA-3'
Protein context (NP_002377.4, residues 249-269): IFFLCWGPFF[Leu259Arg]HLTLIVLCPE